The following is an entry in ClinVar:

NM_000518.4(HBB):c.-134A>G

Genes: HBB (hemoglobin subunit beta; minus strand), LOC106099062 (HBB recombination region; plus strand), LOC107133510 (origin of replication at HBB; plus strand). Cytogenetic location: 11p15.4.
Variant type: single nucleotide variant.
Coding change: c.-134A>G on transcript NM_000518.4; 134 bases upstream of the start codon, A replaced by G.
Genome position (GRCh38, 1-based): chr11:5,227,155, T>C on the plus strand (A>G on the coding strand, the complement: HBB is on the minus strand). VCF-style: chr11-5227155-T-C. GRCh37 (hg19) VCF-style: chr11-5248385-T-C.
Identifiers: ClinVar variation 1050837 (VCV001050837.3), dbSNP rs1847592568, ClinGen allele CA1949571758.

ClinVar aggregate classification (germline): Uncertain significance (1 of 4 stars; one submission).

Allele frequency attached by ClinVar (database versions not stated): TOPMed below 0.00001.

Submission:

Women's Health and Genetics/Laboratory Corporation of America, LabCorp
Classification: Uncertain significance. Last evaluated: 2021-03-31. Review status: criteria provided, single submitter. Criteria: LabCorp Variant Classification Summary - May 2015. Collection method: clinical testing. Allele origin: germline.
Comment: Variant summary: HBB c.-134A>G is located in the untranscribed region upstream of the HBB gene region. The variant was absent in 152188 control chromosomes (gnomAD v3.1.1). The available data on variant occurrences in the general population are insufficient to allow any conclusion about variant significance. To our knowledge, no occurrence of c.-134A>G in individuals affected with Hemoglobinopathy and no experimental evidence demonstrating its impact on protein function have been reported. No clinical diagnostic laboratories have submitted clinical-significance assessments for this variant to ClinVar after 2014. Based on the evidence outlined above, the variant was classified as uncertain significance.